The following is an entry in ClinVar:

ClinVar aggregate classification (germline): Uncertain significance (1 of 4 stars; one submission).

Conditions:
Idiopathic Pulmonary Fibrosis. Also called: Idiopathic fibrosing alveolitis, chronic form; idiopathic fibrosing alveolitis. Identifiers: Orphanet 2032, MedGen C1800706, MeSH D054990, MONDO:0800504.
Dyskeratosis congenita, autosomal dominant 2. Identifiers: MedGen C3151443, MONDO:0013521, OMIM 613989.

Allele frequency attached by ClinVar (database versions not stated): gnomAD exomes below 0.00001.
gnomAD v4.1: 3 of 1,585,080 alleles (0.00019%); highest among the groups gnomAD compares: Non-Finnish European, 0.00026%; no homozygotes.

Submission:

Labcorp Genetics (formerly Invitae), Labcorp
Classification: Uncertain significance for Dyskeratosis congenita, autosomal dominant 2; Idiopathic Pulmonary Fibrosis. Last evaluated: 2023-09-22. Review status: criteria provided, single submitter. Criteria: Invitae Variant Classification Sherloc (09022015). Collection method: clinical testing. Allele origin: germline.
Comment: Algorithms developed to predict the effect of missense changes on protein structure and function output the following: SIFT: "Not Available"; PolyPhen-2: "Benign"; Align-GVGD: "Not Available". The threonine amino acid residue is found in multiple mammalian species, which suggests that this missense change does not adversely affect protein function. In summary, the available evidence is currently insufficient to determine the role of this variant in disease. Therefore, it has been classified as a Variant of Uncertain Significance. ClinVar contains an entry for this variant (Variation ID: 960552). This variant has not been reported in the literature in individuals affected with TERT-related conditions. This variant is not present in population databases (gnomAD no frequency). This sequence change replaces alanine, which is neutral and non-polar, with threonine, which is neutral and polar, at codon 107 of the TERT protein (p.Ala107Thr).

NM_198253.3(TERT):c.319G>A (p.Ala107Thr)

Gene: TERT (telomerase reverse transcriptase; minus strand). Cytogenetic location: 5p15.33.
Variant type: single nucleotide variant.
Coding change: c.319G>A on transcript NM_198253.3 (MANE Select); coding-DNA position 319, G replaced by A.
Protein change: p.Ala107Thr; replaces alanine 107 with threonine.
Molecular consequence: missense variant. On other transcripts: non-coding transcript variant (2).
Genome position (GRCh38, 1-based): chr5:1,294,567, C>T on the plus strand (G>A on the coding strand, the complement: TERT is on the minus strand). VCF-style: chr5-1294567-C-T. GRCh37 (hg19) VCF-style: chr5-1294682-C-T.
Other names: c.319G>A, p.Ala107Thr (NM_001193376.3); short protein forms A107T.
Identifiers: ClinVar variation 960552 (VCV000960552.10), dbSNP rs1751264625, ClinGen allele CA359058333.